The following is an entry in ClinVar:

NM_001429.4(EP300):c.3123A>G (p.Pro1041=)

Genes: EP300 (EP300 lysine acetyltransferase; plus strand), LOC126863158 (BRD4-independent group 4 enhancer GRCh37_chr22:41547383-41548582; plus strand). Cytogenetic location: 22q13.2.
Variant type: single nucleotide variant.
Coding change: c.3123A>G on transcript NM_001429.4 (MANE Select); coding-DNA position 3123, A replaced by G.
Protein change: p.Pro1041=; no amino-acid change (proline 1041 retained).
Molecular consequence: synonymous variant.
Genome position (GRCh38, 1-based): chr22:41,152,331, A>G. VCF-style: chr22-41152331-A-G. GRCh37 (hg19) VCF-style: chr22-41548335-A-G.
Other names: c.3045A>G, p.Pro1015= (NM_001362843.2); c.3123A>G (NM_001429.3).
Identifiers: ClinVar variation 2962947 (VCV002962947.5), dbSNP rs370454302, ClinGen allele CA10253042.

ClinVar aggregate classification (germline): Likely benign. Review status: criteria provided, single submitter (1 of 4 stars). 2 submissions from 2 submitters: Likely benign (1). 1 of the submissions does not count toward it. Last evaluated 2023-10-14.

Conditions:
Rubinstein-Taybi syndrome due to EP300 haploinsufficiency. Also called: EP300-Related Rubinstein-Taybi Syndrome; RUBINSTEIN-TAYBI SYNDROME 2. Identifiers: Orphanet 353284, Orphanet 783, MedGen C3150941, MONDO:0013364, OMIM 613684.
EP300-related disorder. Also called: EP300-related condition; EP300-related disorders.

Allele frequency attached by ClinVar (database versions not stated): TOPMed below 0.00001; gnomAD 0.00001; gnomAD exomes 0.00001; ExAC 0.00002; ESP Exome Variant Server 0.00008.
gnomAD v4.1: 13 of 1,613,702 alleles (0.00081%); highest among the groups gnomAD compares: Admixed American, 0.0017%; no homozygotes.

Submissions (2):

Labcorp Genetics (formerly Invitae), Labcorp
Classification: Likely benign for Rubinstein-Taybi syndrome due to EP300 haploinsufficiency. Last evaluated: 2023-10-14. Review status: criteria provided, single submitter. Criteria: Invitae Variant Classification Sherloc (09022015). Collection method: clinical testing. Allele origin: germline.

PreventionGenetics, part of Exact Sciences
Classification: Likely benign for EP300-related condition. Last evaluated: 2021-11-16. Review status: no assertion criteria provided. Collection method: clinical testing. Allele origin: germline. Not counted in ClinVar's aggregate classification.
Comment: This variant is classified as likely benign based on ACMG/AMP sequence variant interpretation guidelines (Richards et al. 2015 PMID: 25741868, with internal and published modifications).